The following is an entry in ClinVar:

ClinVar aggregate classification (germline): Uncertain significance. Review status: criteria provided, multiple submitters, no conflicts (2 of 4 stars). 2 submissions from 2 submitters: Uncertain significance (2). Last evaluated 2019-05-26.

Conditions:
Spinal muscular atrophy, infantile, James type. Also called: GARS1 Infantile-Onset Spinal Muscular Atrophy (GARS1-iSMA). Identifiers: MedGen C5436669, MONDO:0033621, OMIM 619042.

Submissions (2):

Blueprint Genetics
Classification: Uncertain significance. Last evaluated: 2019-05-26. Review status: criteria provided, single submitter. Criteria: ACMG Guidelines, 2015. Collection method: clinical testing. Allele origin: germline.

Juno Genomics, Hangzhou Juno Genomics, Inc
Classification: Uncertain significance for Spinal muscular atrophy, infantile, James type. Review status: criteria provided, single submitter. Criteria: ACMG Guidelines, 2015. Collection method: clinical testing. Allele origin: germline. Affected: yes.
Comment: Absent from controls (or at extremely low frequency if recessive) in Genome Aggregation Database, Exome Sequencing Project, 1000 Genomes Project, or Exome Aggregation Consortium.;Patient's phenotype or family history is highly specific for a disease with a single genetic etiology.

NM_001281740.3(FHOD3):c.1571A>C (p.His524Pro)

Gene: FHOD3 (formin homology 2 domain containing 3; plus strand). Cytogenetic location: 18q12.2.
Variant type: single nucleotide variant.
Coding change: c.1571A>C on transcript NM_001281740.3 (MANE Select); coding-DNA position 1571, A replaced by C.
Protein change: p.His524Pro; replaces histidine 524 with proline.
Molecular consequence: missense variant. On other transcripts: intron variant (2).
Genome position (GRCh38, 1-based): chr18:36,652,854, A>C. VCF-style: chr18-36652854-A-C. GRCh37 (hg19) VCF-style: chr18-34232817-A-C.
Other names: c.1197-5221A>C (NM_025135.5, NM_001281739.3); short protein forms H524P.
Identifiers: ClinVar variation 3383003 (VCV003383003.3).